The following is an entry in ClinVar:

ClinVar aggregate classification (germline): Uncertain significance (1 of 4 stars; one submission).

Submission:

GeneDx
Classification: Uncertain significance. Last evaluated: 2026-02-05. Review status: criteria provided, single submitter. Criteria: GeneDx Variant Classification Process June 2021. Collection method: clinical testing. Allele origin: germline.
Comment: Not observed at significant frequency in large population cohorts (gnomAD); In silico analysis supports that this missense variant has a deleterious effect on protein structure/function; Has not been previously published as pathogenic or benign to our knowledge

NM_005359.6(SMAD4):c.1655A>G (p.Asp552Gly)

Gene: SMAD4 (SMAD family member 4; plus strand). Cytogenetic location: 18q21.2.
Variant type: single nucleotide variant.
Coding change: c.1655A>G on transcript NM_005359.6 (MANE Select); coding-DNA position 1655, A replaced by G.
Protein change: p.Asp552Gly; replaces aspartic acid 552 with glycine.
Molecular consequence: missense variant. On other transcripts: non-coding transcript variant (1).
Genome position (GRCh38, 1-based): chr18:51,078,463, A>G. VCF-style: chr18-51078463-A-G. GRCh37 (hg19) VCF-style: chr18-48604833-A-G.
Other names: c.1655A>G, p.Asp552Gly (NM_001407041.1, NM_001407042.1); short protein forms D552G.
Identifiers: ClinVar variation 3360611 (VCV003360611.2).